The following is an entry in ClinVar:

ClinVar aggregate classification (germline): Likely benign. Review status: criteria provided, single submitter (1 of 4 stars). 2 submissions from 2 submitters: Likely benign (1). 1 of the submissions does not count toward it. Last evaluated 2025-05-14.

Conditions:
PLXNA1-related disorder. Also called: PLXNA1-related condition.

Allele frequency attached by ClinVar (database versions not stated): ExAC 0.00011; TOPMed 0.00012; gnomAD 0.00014; ESP Exome Variant Server 0.00015; gnomAD exomes 0.00029.
gnomAD v4.1: 441 of 1,613,580 alleles (0.027%); highest among the groups gnomAD compares: Non-Finnish European, 0.035%; no homozygotes.

Submissions (2):

Labcorp Genetics (formerly Invitae), Labcorp
Classification: Likely benign. Last evaluated: 2025-05-14. Review status: criteria provided, single submitter. Criteria: Invitae Variant Classification Sherloc (09022015). Collection method: clinical testing. Allele origin: germline.

PreventionGenetics, part of Exact Sciences
Classification: Likely benign for PLXNA1-related condition. Last evaluated: 2021-07-02. Review status: no assertion criteria provided. Collection method: clinical testing. Allele origin: germline. Not counted in ClinVar's aggregate classification.
Comment: This variant is classified as likely benign based on ACMG/AMP sequence variant interpretation guidelines (Richards et al. 2015 PMID: 25741868, with internal and published modifications).

NM_032242.4(PLXNA1):c.3384C>T (p.Phe1128=)

Gene: PLXNA1 (plexin A1; plus strand). Cytogenetic location: 3q21.3.
Variant type: single nucleotide variant.
Coding change: c.3384C>T on transcript NM_032242.4 (MANE Select); coding-DNA position 3384, C replaced by T.
Protein change: p.Phe1128=; no amino-acid change (phenylalanine 1128 retained).
Molecular consequence: synonymous variant.
Genome position (GRCh38, 1-based): chr3:127,017,532, C>T. VCF-style: chr3-127017532-C-T. GRCh37 (hg19) VCF-style: chr3-126736375-C-T.
Identifiers: ClinVar variation 3054055 (VCV003054055.3), dbSNP rs201850131, ClinGen allele CA2594003.